The following is an entry in ClinVar:

NM_012330.4(KAT6B):c.3665-14G>A

Gene: KAT6B (lysine acetyltransferase 6B; plus strand). Cytogenetic location: 10q22.2.
Variant type: single nucleotide variant.
Coding change: c.3665-14G>A on transcript NM_012330.4 (MANE Select); 14 bases into the intron before coding-DNA position 3665, G replaced by A.
Molecular consequence: intron variant.
Genome position (GRCh38, 1-based): chr10:75,028,475, G>A. VCF-style: chr10-75028475-G-A. GRCh37 (hg19) VCF-style: chr10-76788233-G-A.
Other names: c.2789-14G>A (NM_001370139.1, NM_001370140.1, NM_001370141.1 and 2 more transcripts); c.3665-14G>A (NM_001370136.1, NM_001370137.1); c.3116-14G>A (NM_001370138.1, NM_001256468.2); c.1976-14G>A (NM_001370133.1); c.1580-14G>A (NM_001370134.1); c.2600-14G>A (NM_001370143.1, NM_001370144.1); c.2627-14G>A (NM_001370132.1); c.1322-14G>A (NM_001370135.1).
Identifiers: ClinVar variation 3038165 (VCV003038165.2), dbSNP rs1192421093, ClinGen allele CA930018359.

ClinVar aggregate classification (germline): Likely benign (0 of 4 stars; one submission).

Conditions:
KAT6B-related disorder. Also called: KAT6B-related disorders; KAT6B-related condition.

Allele frequency attached by ClinVar (database versions not stated): TOPMed below 0.00001.
gnomAD v4.1: 9 of 1,613,036 alleles (0.00056%); highest among the groups gnomAD compares: African/African-American, 0.0027%; no homozygotes.

Submission:

PreventionGenetics, part of Exact Sciences
Classification: Likely benign for KAT6B-related condition. Last evaluated: 2023-09-20. Review status: no assertion criteria provided. Collection method: clinical testing. Allele origin: germline.
Comment: This variant is classified as likely benign based on ACMG/AMP sequence variant interpretation guidelines (Richards et al. 2015 PMID: 25741868, with internal and published modifications).